The following is an entry in ClinVar:

ClinVar aggregate classification (germline): Uncertain significance (1 of 4 stars; one submission).

gnomAD v4.1: 8 of 1,614,114 alleles (0.0005%); highest among the groups gnomAD compares: Middle Eastern, 0.016%; no homozygotes.

Submission:

Labcorp Genetics (formerly Invitae), Labcorp
Classification: Uncertain significance. Last evaluated: 2022-10-13. Review status: criteria provided, single submitter. Criteria: Invitae Variant Classification Sherloc (09022015). Collection method: clinical testing. Allele origin: germline.
Comment: This sequence change replaces arginine, which is basic and polar, with leucine, which is neutral and non-polar, at codon 153 of the TYRP1 protein (p.Arg153Leu). This variant is present in population databases (no rsID available, gnomAD 0.0009%). This variant has not been reported in the literature in individuals affected with TYRP1-related conditions. Advanced modeling of protein sequence and biophysical properties (such as structural, functional, and spatial information, amino acid conservation, physicochemical variation, residue mobility, and thermodynamic stability) performed at Invitae indicates that this missense variant is not expected to disrupt TYRP1 protein function. In summary, the available evidence is currently insufficient to determine the role of this variant in disease. Therefore, it has been classified as a Variant of Uncertain Significance.

NM_000550.3(TYRP1):c.458G>T (p.Arg153Leu)

Gene: TYRP1 (tyrosinase related protein 1; plus strand). Cytogenetic location: 9p23.
Variant type: single nucleotide variant.
Coding change: c.458G>T on transcript NM_000550.3 (MANE Select); coding-DNA position 458, G replaced by T.
Protein change: p.Arg153Leu; replaces arginine 153 with leucine.
Molecular consequence: missense variant.
Genome position (GRCh38, 1-based): chr9:12,695,587, G>T. VCF-style: chr9-12695587-G-T. GRCh37 (hg19) VCF-style: chr9-12695587-G-T.
Other names: short protein forms R153L.
Identifiers: ClinVar variation 2186717 (VCV002186717.1), dbSNP rs373765858, ClinGen allele CA189306237.